The following is an entry in ClinVar:

ClinVar aggregate classification (germline): Uncertain significance (1 of 4 stars; one submission).

Conditions:
Succinate-semialdehyde dehydrogenase deficiency (SSADHD). Also called: Succinic Semialdehyde Dehydrogenase Deficiency; SSADH DEFICIENCY; 4-HYDROXYBUTYRIC ACIDURIA; GABA METABOLIC DEFECT. Identifiers: Orphanet 22, MedGen C0268631, MONDO:0010083, OMIM 271980.

Allele frequency attached by ClinVar (database versions not stated): gnomAD exomes below 0.00001.
gnomAD v4.1: 1 of 1,614,100 alleles (0.000062%); highest among the groups gnomAD compares: South Asian, 0.0011%; no homozygotes.

Submission:

Labcorp Genetics (formerly Invitae), Labcorp
Classification: Uncertain significance for Succinate-semialdehyde dehydrogenase deficiency. Last evaluated: 2023-07-10. Review status: criteria provided, single submitter. Criteria: Invitae Variant Classification Sherloc (09022015). Collection method: clinical testing. Allele origin: germline.
Comment: In summary, the available evidence is currently insufficient to determine the role of this variant in disease. Therefore, it has been classified as a Variant of Uncertain Significance. This sequence change replaces leucine, which is neutral and non-polar, with proline, which is neutral and non-polar, at codon 527 of the ALDH5A1 protein (p.Leu527Pro). This variant is present in population databases (no rsID available, gnomAD 0.003%). This variant has not been reported in the literature in individuals affected with ALDH5A1-related conditions. ClinVar contains an entry for this variant (Variation ID: 936798). Advanced modeling of protein sequence and biophysical properties (such as structural, functional, and spatial information, amino acid conservation, physicochemical variation, residue mobility, and thermodynamic stability) has been performed at Invitae for this missense variant, however the output from this modeling did not meet the statistical confidence thresholds required to predict the impact of this variant on ALDH5A1 protein function.

NM_001080.3(ALDH5A1):c.1580T>C (p.Leu527Pro)

Gene: ALDH5A1 (aldehyde dehydrogenase 5 family member A1; plus strand). Cytogenetic location: 6p22.3.
Variant type: single nucleotide variant.
Coding change: c.1580T>C on transcript NM_001080.3 (MANE Select); coding-DNA position 1580, T replaced by C.
Protein change: p.Leu527Pro; replaces leucine 527 with proline.
Molecular consequence: missense variant.
Genome position (GRCh38, 1-based): chr6:24,533,684, T>C. VCF-style: chr6-24533684-T-C. GRCh37 (hg19) VCF-style: chr6-24533912-T-C.
Other names: c.1436T>C, p.Leu479Pro (NM_001368954.1); c.1619T>C, p.Leu540Pro (NM_170740.1); short protein forms L479P, L527P, L540P.
Identifiers: ClinVar variation 936798 (VCV000936798.9), dbSNP rs1467346651, ClinGen allele CA362967916.